The following is an entry in ClinVar:

ClinVar aggregate classification (germline): Uncertain significance (1 of 4 stars; one submission).

Conditions:
Hereditary cancer-predisposing syndrome. Also called: Neoplastic Syndromes, Hereditary; Tumor predisposition; Hereditary Cancer Syndrome; Hereditary neoplastic syndrome. Identifiers: Orphanet 140162, MedGen C0027672, MeSH D009386, MONDO:0015356.

Submission:

Color Diagnostics, LLC DBA Color Health
Classification: Uncertain significance for Hereditary cancer-predisposing syndrome. Last evaluated: 2024-03-06. Review status: criteria provided, single submitter. Criteria: ACMG Guidelines, 2015. Collection method: clinical testing. Allele origin: germline.
Comment: This missense variant replaces alanine with aspartic acid at codon 474 of the APC protein. Computational prediction is inconclusive regarding the impact of this variant on protein structure and function (internally defined REVEL score threshold 0.5 < inconclusive < 0.7, PMID: 27666373). Splice site prediction tools suggest that this variant may not impact RNA splicing. To our knowledge, functional studies have not been performed for this variant. This variant has not been reported in individuals affected with hereditary cancer in the literature. This variant has not been identified in the general population by the Genome Aggregation Database (gnomAD). The available evidence is insufficient to determine the role of this variant in disease conclusively. Therefore, this variant is classified as a Variant of Uncertain Significance.

NM_000038.6(APC):c.1421C>A (p.Ala474Asp)

Gene: APC (APC regulator of Wnt signaling pathway; plus strand). Cytogenetic location: 5q22.2.
Variant type: single nucleotide variant.
Coding change: c.1421C>A on transcript NM_000038.6 (MANE Select); coding-DNA position 1421, C replaced by A.
Protein change: p.Ala474Asp; replaces alanine 474 with aspartic acid.
Molecular consequence: missense variant.
Genome position (GRCh38, 1-based): chr5:112,827,120, C>A. VCF-style: chr5-112827120-C-A. GRCh37 (hg19) VCF-style: chr5-112162817-C-A.
Other names: c.1298C>A, p.Ala433Asp (NM_001354900.2); c.1244C>A, p.Ala415Asp (NM_001354901.2); c.1148C>A, p.Ala383Asp (NM_001354902.2); c.1118C>A, p.Ala373Asp (NM_001354903.2); c.1043C>A, p.Ala348Asp (NM_001354904.2); c.941C>A, p.Ala314Asp (NM_001354905.2); c.572C>A, p.Ala191Asp (NM_001354906.2); c.1421C>A, p.Ala474Asp (NM_001127510.3, NM_001354895.2); and 5 more; short protein forms A314D, A456D, A492D, A348D, A373D, A415D, A474D, A484D.
Identifiers: ClinVar variation 925851 (VCV000925851.4), dbSNP rs1763759245, ClinGen allele CA16024417.